The following is an entry in ClinVar:

ClinVar aggregate classification (germline): Uncertain significance (1 of 4 stars; one submission).

Allele frequency attached by ClinVar (database versions not stated): TOPMed below 0.00001; ExAC 0.00001; gnomAD exomes 0.00001 and 0.00002.
gnomAD v4.1: 6 of 1,614,180 alleles (0.00037%); highest among the groups gnomAD compares: Admixed American, 0.0083%; no homozygotes.

Submission:

Labcorp Genetics (formerly Invitae), Labcorp
Classification: Uncertain significance. Last evaluated: 2022-09-19. Review status: criteria provided, single submitter. Criteria: Invitae Variant Classification Sherloc (09022015). Collection method: clinical testing. Allele origin: germline.
Comment: This sequence change replaces isoleucine, which is neutral and non-polar, with valine, which is neutral and non-polar, at codon 595 of the TUBGCP6 protein (p.Ile595Val). This variant is present in population databases (rs772517777, gnomAD 0.01%). This variant has not been reported in the literature in individuals affected with TUBGCP6-related conditions. ClinVar contains an entry for this variant (Variation ID: 1478467). Algorithms developed to predict the effect of missense changes on protein structure and function output the following: SIFT: "Tolerated"; PolyPhen-2: "Benign"; Align-GVGD: "Class C0". The valine amino acid residue is found in multiple mammalian species, which suggests that this missense change does not adversely affect protein function. In summary, the available evidence is currently insufficient to determine the role of this variant in disease. Therefore, it has been classified as a Variant of Uncertain Significance.

NM_020461.4(TUBGCP6):c.1783A>G (p.Ile595Val)

Gene: TUBGCP6 (tubulin gamma complex component 6; minus strand). Cytogenetic location: 22q13.33.
Variant type: single nucleotide variant.
Coding change: c.1783A>G on transcript NM_020461.4 (MANE Select); coding-DNA position 1783, A replaced by G.
Protein change: p.Ile595Val; replaces isoleucine 595 with valine.
Molecular consequence: missense variant.
Genome position (GRCh38, 1-based): chr22:50,226,100, T>C on the plus strand (A>G on the coding strand, the complement: TUBGCP6 is on the minus strand). VCF-style: chr22-50226100-T-C. GRCh37 (hg19) VCF-style: chr22-50664529-T-C.
Other names: short protein forms I595V.
Identifiers: ClinVar variation 1478467 (VCV001478467.3), dbSNP rs772517777, ClinGen allele CA10308518.